The following is an entry in ClinVar:

NM_006648.4(WNK2):c.1963C>T (p.Pro655Ser)

Gene: WNK2 (WNK lysine deficient protein kinase 2; plus strand). Cytogenetic location: 9q22.31.
Variant type: single nucleotide variant.
Coding change: c.1963C>T on transcript NM_006648.4 (MANE Select); coding-DNA position 1963, C replaced by T.
Protein change: p.Pro655Ser; replaces proline 655 with serine.
Molecular consequence: missense variant.
Genome position (GRCh38, 1-based): chr9:93,253,011, C>T. VCF-style: chr9-93253011-C-T. GRCh37 (hg19) VCF-style: chr9-96015293-C-T.
Other names: c.1963C>T, p.Pro655Ser (NM_001282394.3); short protein forms P655S.
Identifiers: ClinVar variation 3816553 (VCV003816553.1).

ClinVar aggregate classification (germline): Uncertain significance (1 of 4 stars; one submission).

gnomAD v4.1: 7 of 1,556,498 alleles (0.00045%); highest among the groups gnomAD compares: African/African-American, 0.0014%; no homozygotes.

Submission:

Ambry Genetics
Classification: Uncertain significance. Last evaluated: 2024-12-20. Review status: criteria provided, single submitter. Criteria: Ambry Variant Classification Scheme 2023. Collection method: clinical testing. Allele origin: germline.
Comment: The p.P655S variant (also known as c.1963C>T), located in coding exon 8 of the WNK2 gene, results from a C to T substitution at nucleotide position 1963. The proline at codon 655 is replaced by serine, an amino acid with similar properties. This amino acid position is conserved. In addition, the in silico prediction for this alteration is inconclusive. Based on the available evidence, the clinical significance of this variant remains unclear.